The following is an entry in ClinVar:

ClinVar aggregate classification (germline): Benign/Likely benign. Review status: criteria provided, multiple submitters, no conflicts (2 of 4 stars). 4 submissions from 4 submitters: Benign (2); Likely benign (2). Last evaluated 2026-01-27.

Conditions:
Distal myopathy with posterior leg and anterior hand involvement. Also called: WILLIAMS DISTAL MYOPATHY. Identifiers: Orphanet 63273, MedGen C3279722, MONDO:0013550, OMIM 614065.
Hypertrophic cardiomyopathy 26. Also called: Cardiomyopathy, familial hypertrophic, 26. Identifiers: Orphanet 75249, MedGen C4310749, MONDO:0014883, OMIM 617047.
Myofibrillar myopathy 5. Also called: Filaminopathy (type); FILAMINOPATHY, AUTOSOMAL DOMINANT. Identifiers: Orphanet 171445, MedGen C1836050, MONDO:0012289, OMIM 609524.

Allele frequency attached by ClinVar (database versions not stated): TOPMed 0.00161; 1000 Genomes Project 30x 0.00016; 1000 Genomes Project 0.00020; gnomAD exomes 0.00038; ExAC 0.00045; ESP Exome Variant Server 0.00115; gnomAD 0.00127 and 0.00144.
gnomAD v4.1: 398 of 1,613,860 alleles (0.025%); highest among the groups gnomAD compares: African/African-American, 0.47%; no homozygotes.

Submissions (4):

Labcorp Genetics (formerly Invitae), Labcorp
Classification: Benign for Distal myopathy with posterior leg and anterior hand involvement; Myofibrillar myopathy 5; Hypertrophic cardiomyopathy 26. Last evaluated: 2026-01-27. Review status: criteria provided, single submitter. Criteria: Invitae Variant Classification Sherloc (09022015). Collection method: clinical testing. Allele origin: germline.

Blueprint Genetics
Classification: Likely benign. Last evaluated: 2023-12-11. Review status: criteria provided, single submitter. Criteria: ACMG Guidelines, 2015. Collection method: clinical testing. Allele origin: germline.

Women's Health and Genetics/Laboratory Corporation of America, LabCorp
Classification: Benign. Last evaluated: 2023-08-19. Review status: criteria provided, single submitter. Criteria: LabCorp Variant Classification Summary - May 2015. Collection method: clinical testing. Allele origin: germline.

GeneDx
Classification: Likely benign. Last evaluated: 2017-10-06. Review status: criteria provided, single submitter. Criteria: GeneDx Variant Classification (06012015). Collection method: clinical testing. Allele origin: germline. Affected: yes.
Comment: This variant is considered likely benign or benign based on one or more of the following criteria: it is a conservative change, it occurs at a poorly conserved position in the protein, it is predicted to be benign by multiple in silico algorithms, and/or has population frequency not consistent with disease.

NM_001458.5(FLNC):c.4456+14G>A

Gene: FLNC (filamin C; plus strand). Cytogenetic location: 7q32.1.
Variant type: single nucleotide variant.
Coding change: c.4456+14G>A on transcript NM_001458.5 (MANE Select); 14 bases into the intron after coding-DNA position 4456, G replaced by A.
Molecular consequence: intron variant.
Genome position (GRCh38, 1-based): chr7:128,847,878, G>A. VCF-style: chr7-128847878-G-A. GRCh37 (hg19) VCF-style: chr7-128487932-G-A.
Other names: c.4456+14G>A (NM_001127487.2).
Identifiers: ClinVar variation 508273 (VCV000508273.11), dbSNP rs375227447, ClinGen allele CA4475335.